The following is an entry in ClinVar:

NM_001267550.2(TTN):c.42143C>T (p.Thr14048Ile)

Gene: TTN (titin; minus strand). Cytogenetic location: 2q31.2.
Variant type: single nucleotide variant.
Coding change: c.42143C>T on transcript NM_001267550.2 (MANE Select); coding-DNA position 42143, C replaced by T.
Protein change: p.Thr14048Ile; replaces threonine 14048 with isoleucine.
Molecular consequence: missense variant.
Genome position (GRCh38, 1-based): chr2:178,634,731, G>A on the plus strand (C>T on the coding strand, the complement: TTN is on the minus strand). VCF-style: chr2-178634731-G-A. GRCh37 (hg19) VCF-style: chr2-179499458-G-A.
Other names: c.37220C>T, p.Thr12407Ile (NM_001256850.1); c.14948C>T, p.Thr4983Ile (NM_003319.4); c.34439C>T, p.Thr11480Ile (NM_133378.4); c.15323C>T, p.Thr5108Ile (NM_133432.3); c.15524C>T, p.Thr5175Ile (NM_133437.4); short protein forms T11480I, T12407I, T14048I, T4983I, T5108I, T5175I.
Identifiers: ClinVar variation 1800800 (VCV001800800.1), dbSNP rs1362774927, ClinGen allele CA349655756.

ClinVar aggregate classification (germline): Uncertain significance (1 of 4 stars; one submission).

Allele frequency attached by ClinVar (database versions not stated): gnomAD exomes below 0.00001.
gnomAD v4.1: 1 of 1,613,042 alleles (0.000062%); highest among the groups gnomAD compares: Admixed American, 0.0017%; no homozygotes.

Submission:

GeneDx
Classification: Uncertain significance. Last evaluated: 2022-11-17. Review status: criteria provided, single submitter. Criteria: GeneDx Variant Classification Process June 2021. Collection method: clinical testing. Allele origin: germline. Affected: yes.
Comment: Not observed at significant frequency in large population cohorts (gnomAD); Missense variant in a gene in which most reported pathogenic variants are truncating/loss of function; Has not been previously published as pathogenic or benign to our knowledge